The following is an entry in ClinVar:

NM_000384.3(APOB):c.12034G>C (p.Asp4012His)

Gene: APOB (apolipoprotein B; minus strand). Cytogenetic location: 2p24.1.
Variant type: single nucleotide variant.
Coding change: c.12034G>C on transcript NM_000384.3 (MANE Select); coding-DNA position 12034, G replaced by C.
Protein change: p.Asp4012His; replaces aspartic acid 4012 with histidine.
Molecular consequence: missense variant.
Genome position (GRCh38, 1-based): chr2:21,004,322, C>G on the plus strand (G>C on the coding strand, the complement: APOB is on the minus strand). VCF-style: chr2-21004322-C-G. GRCh37 (hg19) VCF-style: chr2-21227194-C-G.
Other names: short protein forms D4012H.
Identifiers: ClinVar variation 1045526 (VCV001045526.8), dbSNP rs781252339, ClinGen allele CA048734.

ClinVar aggregate classification (germline): Uncertain significance (1 of 4 stars; one submission).

Conditions:
Familial hypobetalipoproteinemia 1. Also called: Hypobetalipoproteinemia, normotriglyceridemic; Acanthocytosis with hypobetalipoproteinemia; APOB-Related Familial Hypobetalipoproteinemia. Identifiers: MedGen C4551990, MONDO:0014252, OMIM 615558.
Hypercholesterolemia, autosomal dominant, type B (FHCL2). Also called: Familial hypercholesterolemia 2; APOB-Related Familial Hypercholesterolemia, Autosomal Dominant; Familial Hypercholesterolemia Type B; APOLIPOPROTEIN B-100, FAMILIAL DEFECTIVE; APOLIPOPROTEIN B-100, FAMILIAL LIGAND-DEFECTIVE; HYPERCHOLESTEROLEMIA, FAMILIAL, DUE TO LIGAND-DEFECTIVE APOLIPOPROTEIN B. Identifiers: MedGen C1704417, MONDO:0007751, OMIM 144010.

Allele frequency attached by ClinVar (database versions not stated): gnomAD exomes below 0.00001; ExAC 0.00001.
gnomAD v4.1: 3 of 1,613,972 alleles (0.00019%); highest among the groups gnomAD compares: Non-Finnish European, 0.00025%; no homozygotes.

Submission:

Labcorp Genetics (formerly Invitae), Labcorp
Classification: Uncertain significance for Familial hypobetalipoproteinemia 1; Hypercholesterolemia, autosomal dominant, type B. Last evaluated: 2021-08-26. Review status: criteria provided, single submitter. Criteria: Invitae Variant Classification Sherloc (09022015). Collection method: clinical testing. Allele origin: germline.
Comment: This sequence change replaces aspartic acid with histidine at codon 4012 of the APOB protein (p.Asp4012His). The aspartic acid residue is moderately conserved and there is a moderate physicochemical difference between aspartic acid and histidine. This variant is present in population databases (rs781252339, ExAC 0.01%). This variant has not been reported in the literature in individuals affected with APOB-related conditions. Algorithms developed to predict the effect of missense changes on protein structure and function output the following: SIFT: "Tolerated"; PolyPhen-2: "Possibly Damaging"; Align-GVGD: "Class C0". The histidine amino acid residue is found in multiple mammalian species, which suggests that this missense change does not adversely affect protein function. In summary, the available evidence is currently insufficient to determine the role of this variant in disease. Therefore, it has been classified as a Variant of Uncertain Significance.